The following continues an entry in ClinVar:

NM_000492.4(CFTR):c.3773dup (p.Leu1258fs)

ClinVar aggregate classification (germline): Pathogenic. Pathogenic (1).

Submissions 13 to 19 of 19:

Johns Hopkins Genomics, Johns Hopkins University
Classification: Pathogenic for Cystic fibrosis. Last evaluated: 2020-11-11. Review status: criteria provided, single submitter. Criteria: ACMG Guidelines, 2015. Collection method: clinical testing. Allele origin: germline. Not counted in ClinVar's aggregate classification.
Comment: Disease-causing CFTR variant. See CFTR2 for phenotype information.

Myriad Genetics, Inc.
Classification: Pathogenic for Cystic fibrosis. Last evaluated: 2019-12-09. Review status: criteria provided, single submitter. Criteria: Myriad Women's Health Autosomal Recessive and X-Linked Classification Criteria (2019). Collection method: clinical testing. Allele origin: unknown. Not counted in ClinVar's aggregate classification.
Comment: NM_000492.3(CFTR):c.3773dupT(L1258Ffs*7, aka 3905insT) is classified as pathogenic in the context of cystic fibrosis and is associated with classic disease. Sources cited for classification include the following: PMID 19724303 and 23974870. Classification of NM_000492.3(CFTR):c.3773dupT(L1258Ffs*7, aka 3905insT) is based on the following criteria: The variant causes a premature termination codon that is expected to be targeted by nonsense-mediated mRNA decay and is reported in individuals with the relevant phenotype. Please note: this variant was assessed in the context of healthy population screening.

CFTR-France
Classification: Pathogenic for cystic fibrosis. Last evaluated: 2018-01-29. Review status: criteria provided, single submitter. Criteria: Claustres M et al. (Hum Mutat 2017). Collection method: curation. Allele origin: germline. Affected: yes. Not counted in ClinVar's aggregate classification.

Baylor Genetics
Classification: Pathogenic for Congenital bilateral aplasia of vas deferens from CFTR mutation; Cystic fibrosis. Review status: criteria provided, single submitter. Criteria: ACMG Guidelines, 2015. Collection method: clinical testing. Allele origin: germline. Not counted in ClinVar's aggregate classification.

PreventionGenetics, part of Exact Sciences
Classification: Pathogenic for CFTR-related condition. Last evaluated: 2024-03-22. Review status: no assertion criteria provided. Collection method: clinical testing. Allele origin: germline. Not counted in ClinVar's aggregate classification.
Comment: The CFTR c.3773dupT variant is predicted to result in a frameshift and premature protein termination (p.Leu1258Phefs*7). This variant, sometimes described as 3905insT using legacy nomenclature, has been reported in the compound heterozygous or homozygous state in many individuals with cystic fibrosis (Liechti-Gallati et al. 1992. PubMed ID: 1380689; Hirtz S et al 2004. PubMed ID: 15480987; Hergersberg M et al 1997. PubMed ID: 9254853; Sanz J et al 2009. PubMed ID: 19724303), as well as CFTR-related disorders including pancreatic insufficiency (Ooi and Durie. 2012. PubMed ID: 22658665) and congenital bilateral absence of the vas deferens (Steiner et al. 2011. PubMed ID: 21520337). This variant was also reported to be the second most common pathogenic CFTR variant in the Swiss population and is associated with a severe phenotype when in the presence of p.Phe508del (Hergersberg M et al 1997. PubMed ID: 9254853). Functional studies indicate this variant does not result in nonsense-mediated decay or nonsense-associated alternative splicing, but does reduce the amount of CFTR protein at the apical membrane (Sanz J et al 2009. PubMed ID: 19724303). This variant is reported in 0.0023% of alleles in individuals of European (Non-Finnish) descent in gnomAD. Frameshift variants in CFTR are expected to be pathogenic. This variant is interpreted as pathogenic.

Clinical Genetics DNA and cytogenetics Diagnostics Lab, Erasmus MC, Erasmus Medical Center
Classification: Pathogenic. Review status: no assertion criteria provided. Collection method: clinical testing. Allele origin: germline. Affected: yes. Study: VKGL Data-share Consensus. Not counted in ClinVar's aggregate classification.

Diagnostic Laboratory, Department of Genetics, University Medical Center Groningen
Classification: Pathogenic. Review status: no assertion criteria provided. Collection method: clinical testing. Allele origin: germline. Affected: yes. Study: VKGL Data-share Consensus. Not counted in ClinVar's aggregate classification.

Literature cited by the submitters: PubMed 1695717 (cited by Labcorp Genetics (formerly Invitae), Labcorp); PubMed 7691345 (cited by Labcorp Genetics (formerly Invitae), Labcorp); PubMed 9725922 (cited by Labcorp Genetics (formerly Invitae), Labcorp); PubMed 19724303 (cited by 6 submitters); PubMed 21520337 (cited by 3 submitters); PubMed 23974870 (cited by 5 submitters); PubMed 7525450 (cited by 3 submitters); PubMed 29261177 (cited by Quest Diagnostics Nichols Institute San Juan Capistrano and AiLife Diagnostics); PubMed 22658665 (cited by Quest Diagnostics Nichols Institute San Juan Capistrano and AiLife Diagnostics); PubMed 20021716 (cited by Quest Diagnostics Nichols Institute San Juan Capistrano and AiLife Diagnostics); PubMed 15480987 (cited by Quest Diagnostics Nichols Institute San Juan Capistrano); PubMed 11491162 (cited by Quest Diagnostics Nichols Institute San Juan Capistrano and Ambry Genetics); PubMed 9254853 (cited by Quest Diagnostics Nichols Institute San Juan Capistrano and Ambry Genetics); PubMed 1380689 (cited by Quest Diagnostics Nichols Institute San Juan Capistrano and Ambry Genetics); PubMed 31036917 (cited by Quest Diagnostics Nichols Institute San Juan Capistrano and AiLife Diagnostics); PubMed 31268981 (cited by Quest Diagnostics Nichols Institute San Juan Capistrano); PubMed 21228398 (cited by AiLife Diagnostics); PubMed 18456578 (cited by AiLife Diagnostics); PubMed 22975760 (cited by AiLife Diagnostics).